The following is an entry in ClinVar:

NC_000012.11:g.(?_48380099)_(48380246_?)dup

Gene: COL2A1 (collagen type II alpha 1 chain; minus strand). Cytogenetic location: 12q13.11.
Variant type: Duplication.
Identifiers: ClinVar variation 2424254 (VCV002424254.4).

ClinVar aggregate classification (germline): Uncertain significance (1 of 4 stars; one submission).

Submission:

Labcorp Genetics (formerly Invitae), Labcorp
Classification: Uncertain significance. Last evaluated: 2022-06-04. Review status: criteria provided, single submitter. Criteria: Invitae Variant Classification Sherloc (09022015). Collection method: clinical testing. Allele origin: germline.
Comment: This variant results in a copy number gain of the genomic region encompassing exon(s) 23 of the COL2A1 gene. While the exact position of this variant cannot be determined from the data, sub-genic copy number gains are generally in tandem (PMID: 25640679). This variant is predicted to be in-frame, and likely preserves the integrity of the reading frame. In summary, the available evidence is currently insufficient to determine the role of this variant in disease. Therefore, it has been classified as a Variant of Uncertain Significance. Experimental studies and prediction algorithms are not available or were not evaluated, and the functional significance of this variant is currently unknown. This variant has not been reported in the literature in individuals affected with COL2A1-related conditions.

Literature cited by the submitters: PubMed 25640679.